The following is an entry in ClinVar:

ClinVar aggregate classification (germline): Uncertain significance. Review status: criteria provided, multiple submitters, no conflicts (2 of 4 stars). 3 submissions from 3 submitters: Uncertain significance (3). Last evaluated 2023-12-13.

Conditions:
RYR1-related disorder. Also called: RYR1-related condition; RYR1-related disorders. Identifiers: MedGen CN239331.
Malignant hyperthermia, susceptibility to, 1 (MHS1). Also called: Malignant hyperthermia suceptibility 1; Anesthesia related hyperthermia; Malignant hyperpyrexia; Fulminating hyperpyrexia; Pharmacogenic myopathy; RYR1-Related Malignant Hyperthermia Susceptibility. Identifiers: Orphanet 423, MedGen C2930980, MONDO:0007783, OMIM 145600.

gnomAD v4.1: 13 of 1,614,016 alleles (0.00081%); highest among the groups gnomAD compares: Non-Finnish European, 0.000085%; no homozygotes.

Submissions (3):

All of Us Research Program, National Institutes of Health
Classification: Uncertain significance for Malignant hyperthermia, susceptibility to, 1. Last evaluated: 2023-12-13. Review status: criteria provided, single submitter. Criteria: ACMG Guidelines, 2015. Collection method: clinical testing. Allele origin: germline. Inheritance: Autosomal dominant inheritance. Observed: 4 variant alleles, 4 heterozygotes.
Comment: This missense variant replaces aspartic acid with glycine at codon 3817 of the RYR1 protein. Computational prediction is inconclusive regarding the impact of this variant on protein structure and function (internally defined REVEL score threshold 0.6 < inconclusive < 0.85, PMID: 27666373). To our knowledge, functional studies have not been reported for this variant. This variant has not been reported in individuals affected with RYR1-related disorders in the literature. This variant has been identified in 2/251492 chromosomes in the general population by the Genome Aggregation Database (gnomAD). The available evidence is insufficient to determine the role of this variant in disease conclusively. Therefore, this variant is classified as a Variant of Uncertain Significance.

This study involves interpretation of variants in research participants for the purpose of population health screening. Participant phenotype was not available at the time of variant classification. Additional details can be found in publication PMID: 35346344, PMCID: PMC8962531

Color Diagnostics, LLC DBA Color Health
Classification: Uncertain significance for Malignant hyperthermia, susceptibility to, 1. Last evaluated: 2023-11-29. Review status: criteria provided, single submitter. Criteria: ACMG Guidelines, 2015. Collection method: clinical testing. Allele origin: germline.
Comment: This missense variant replaces aspartic acid with glycine at codon 3817 of the RYR1 protein. Computational prediction is inconclusive regarding the impact of this variant on protein structure and function. To our knowledge, functional studies have not been reported for this variant. This variant has not been reported in individuals affected with RYR1-related disorders in the literature. This variant has been identified in 2/251492 chromosomes in the general population by the Genome Aggregation Database (gnomAD). The available evidence is insufficient to determine the role of this variant in disease conclusively. Therefore, this variant is classified as a Variant of Uncertain Significance.

Labcorp Genetics (formerly Invitae), Labcorp
Classification: Uncertain significance for RYR1-related disorder. Last evaluated: 2023-02-09. Review status: criteria provided, single submitter. Criteria: Invitae Variant Classification Sherloc (09022015). Collection method: clinical testing. Allele origin: germline.
Comment: This sequence change replaces aspartic acid, which is acidic and polar, with glycine, which is neutral and non-polar, at codon 3817 of the RYR1 protein (p.Asp3817Gly). This variant is present in population databases (rs372491219, gnomAD 0.01%). This variant has not been reported in the literature in individuals affected with RYR1-related conditions. Advanced modeling of protein sequence and biophysical properties (such as structural, functional, and spatial information, amino acid conservation, physicochemical variation, residue mobility, and thermodynamic stability) has been performed at Invitae for this missense variant, however the output from this modeling did not meet the statistical confidence thresholds required to predict the impact of this variant on RYR1 protein function. In summary, the available evidence is currently insufficient to determine the role of this variant in disease. Therefore, it has been classified as a Variant of Uncertain Significance.

NM_000540.3(RYR1):c.11450A>G (p.Asp3817Gly)

Gene: RYR1 (ryanodine receptor 1; plus strand). Cytogenetic location: 19q13.2.
Variant type: single nucleotide variant.
Coding change: c.11450A>G on transcript NM_000540.3 (MANE Select); coding-DNA position 11450, A replaced by G.
Protein change: p.Asp3817Gly; replaces aspartic acid 3817 with glycine.
Molecular consequence: missense variant.
Genome position (GRCh38, 1-based): chr19:38,535,326, A>G. VCF-style: chr19-38535326-A-G. GRCh37 (hg19) VCF-style: chr19-39025966-A-G.
Other names: c.11435A>G, p.Asp3812Gly (NM_001042723.2); short protein forms D3812G, D3817G.
Identifiers: ClinVar variation 2047353 (VCV002047353.4), dbSNP rs372491219, ClinGen allele CA056969.